The following is an entry in ClinVar:

ClinVar aggregate classification (germline): Likely benign (0 of 4 stars; one submission).

Conditions:
MKRN3-related disorder. Also called: MKRN3-related condition.

Allele frequency attached by ClinVar (database versions not stated): ExAC 0.00002.
gnomAD v4.1: 23 of 1,613,518 alleles (0.0014%); highest among the groups gnomAD compares: South Asian, 0.0088%; no homozygotes.

Submission:

PreventionGenetics, part of Exact Sciences
Classification: Likely benign for MKRN3-related condition. Last evaluated: 2019-07-10. Review status: no assertion criteria provided. Collection method: clinical testing. Allele origin: germline.
Comment: This variant is classified as likely benign based on ACMG/AMP sequence variant interpretation guidelines (Richards et al. 2015 PMID: 25741868, with internal and published modifications).

NM_005664.4(MKRN3):c.435G>A (p.Thr145=)

Gene: MKRN3 (makorin ring finger protein 3; plus strand). Cytogenetic location: 15q11.2.
Variant type: single nucleotide variant.
Coding change: c.435G>A on transcript NM_005664.4 (MANE Select); coding-DNA position 435, G replaced by A.
Protein change: p.Thr145=; no amino-acid change (threonine 145 retained).
Molecular consequence: synonymous variant.
Genome position (GRCh38, 1-based): chr15:23,566,217, G>A. VCF-style: chr15-23566217-G-A. GRCh37 (hg19) VCF-style: chr15-23811364-G-A.
Identifiers: ClinVar variation 3049328 (VCV003049328.2), dbSNP rs764114571, ClinGen allele CA7429365.